The following is an entry in ClinVar:

ClinVar aggregate classification (germline): Benign/Likely benign. Review status: criteria provided, multiple submitters, no conflicts (2 of 4 stars). 5 submissions from 5 submitters: Benign (3); Likely benign (1). 1 of the submissions does not count toward it. Last evaluated 2026-01-01.

Conditions:
LRP1B-related disorder. Also called: LRP1B-related condition.

Allele frequency attached by ClinVar (database versions not stated): 1000 Genomes Project 0.00599; 1000 Genomes Project 30x 0.00656; gnomAD 0.00770 and 0.00772; TOPMed 0.00835; gnomAD exomes 0.00837 and 0.01048; ExAC 0.00843; ESP Exome Variant Server 0.00900.
gnomAD v4.1: 16,449 of 1,613,448 alleles (1%); highest among the groups gnomAD compares: Non-Finnish European, 1.2%; 119 homozygotes.

Submissions (7):

CeGaT Center for Human Genetics Tuebingen
Classification: Benign. Last evaluated: 2026-01-01. Review status: criteria provided, single submitter. Criteria: CeGaT Center For Human Genetics Tuebingen Variant Classification Criteria Version 2. Collection method: clinical testing. Allele origin: germline. Affected: yes. Observed: 1 variant allele.
Comment: LRP1B: BP4, BS1, BS2

Genomic Medicine Center of Excellence, King Faisal Specialist Hospital and Research Centre
Classification: Likely benign. Last evaluated: 2025-08-18. Review status: criteria provided, single submitter. Criteria: ACMG Guidelines, 2015. Collection method: clinical testing. Allele origin: germline.

Labcorp Genetics (formerly Invitae), Labcorp
Classification: Benign. Last evaluated: 2019-12-31. Review status: criteria provided, single submitter. Criteria: Invitae Variant Classification Sherloc (09022015). Collection method: clinical testing. Allele origin: germline.

Breakthrough Genomics
Classification: Benign. Review status: criteria provided, single submitter. Criteria: ACMG Guidelines, 2015. Collection method: not provided. Allele origin: germline. Inheritance: Unknown mechanism. Affected: yes.

PreventionGenetics, part of Exact Sciences
Classification: Benign for LRP1B-related condition. Last evaluated: 2020-04-01. Review status: no assertion criteria provided. Collection method: clinical testing. Allele origin: germline. Not counted in ClinVar's aggregate classification.
Comment: This variant is classified as benign based on ACMG/AMP sequence variant interpretation guidelines (Richards et al. 2015 PMID: 25741868, with internal and published modifications).

Dr. Peter K. Rogan Lab, Western University
No classification provided (evidence only). Condition: Thymoma. Review status: no classification provided. Collection method: in vitro. Allele origin: not applicable. Functional consequence: retained intron. Not counted in ClinVar's aggregate classification.

Dr. Peter K. Rogan Lab, Western University
No classification provided (evidence only). Condition: Ovarian serous cystadenocarcinoma. Review status: no classification provided. Collection method: in vitro. Allele origin: not applicable. Functional consequence: retained intron. Not counted in ClinVar's aggregate classification.

NM_018557.3(LRP1B):c.2005A>G (p.Ile669Val)

Gene: LRP1B (LDL receptor related protein 1B; minus strand). Cytogenetic location: 2q22.1.
Variant type: single nucleotide variant.
Coding change: c.2005A>G on transcript NM_018557.3 (MANE Select); coding-DNA position 2005, A replaced by G.
Protein change: p.Ile669Val; replaces isoleucine 669 with valine.
Molecular consequence: missense variant.
Genome position (GRCh38, 1-based): chr2:141,015,881, T>C on the plus strand (A>G on the coding strand, the complement: LRP1B is on the minus strand). VCF-style: chr2-141015881-T-C. GRCh37 (hg19) VCF-style: chr2-141773450-T-C.
Other names: NC_000002.11:g.141773450T>C; short protein forms I669V.
Identifiers: ClinVar variation 773429 (VCV000773429.13), dbSNP rs75995642, ClinGen allele CA1895857.